The following is an entry in ClinVar:

ClinVar aggregate classification (germline): Uncertain significance. Review status: criteria provided, multiple submitters, no conflicts (2 of 4 stars). 2 submissions from 2 submitters: Uncertain significance (2). Last evaluated 2024-03-04.

Conditions:
Inborn genetic diseases. Identifiers: MedGen C0950123, MeSH D030342.

Allele frequency attached by ClinVar (database versions not stated): gnomAD exomes below 0.00001.
gnomAD v4.1: 1 of 1,558,526 alleles (0.000064%); highest among the groups gnomAD compares: Non-Finnish European, 0.000087%; no homozygotes.

Submissions (2):

Ambry Genetics
Classification: Uncertain significance for Inborn genetic diseases. Last evaluated: 2024-03-04. Review status: criteria provided, single submitter. Criteria: Ambry Variant Classification Scheme 2023. Collection method: clinical testing. Allele origin: germline.

GeneDx
Classification: Uncertain significance. Last evaluated: 2022-03-18. Review status: criteria provided, single submitter. Criteria: GeneDx Variant Classification Process June 2021. Collection method: clinical testing. Allele origin: germline. Affected: yes.
Comment: Not observed at significant frequency in large population cohorts (gnomAD); In silico analysis supports that this missense variant does not alter protein structure/function; Has not been previously published as pathogenic or benign to our knowledge

NM_016373.4(WWOX):c.11T>G (p.Leu4Arg)

Gene: WWOX (WW domain containing oxidoreductase; plus strand). Cytogenetic location: 16q23.1.
Variant type: single nucleotide variant.
Coding change: c.11T>G on transcript NM_016373.4 (MANE Select); coding-DNA position 11, T replaced by G.
Protein change: p.Leu4Arg; replaces leucine 4 with arginine.
Molecular consequence: missense variant. On other transcripts: 5 prime UTR variant (1), non-coding transcript variant (2).
Genome position (GRCh38, 1-based): chr16:78,099,789, T>G. VCF-style: chr16-78099789-T-G. GRCh37 (hg19) VCF-style: chr16-78133686-T-G.
Other names: c.-264T>G (NM_001291997.2); c.11T>G, p.Leu4Arg (NM_130791.5); short protein forms L4R.
Identifiers: ClinVar variation 1707344 (VCV001707344.3), dbSNP rs2507125295, ClinGen allele CA396841744.
Genomic context (GRCh38, chr16:78,099,789, plus strand): 5'-GTGGACCCGGCAGCGGGCGATAGGGGGGCCAGGTGCCTCCACAGTCAGCCATGGCAGCGC[T>G]GCGCTACGCGGGGCTGGACGACACGGACAGTGAGGACGAGCTGCCTCCGGGCTGGGAGGA-3'
Protein context (NP_057457.1, residues 1-14): MAA[Leu4Arg]RYAGLDDTDS